The following is an entry in ClinVar:

NM_000038.6(APC):c.1959-13G>C

Gene: APC (APC regulator of Wnt signaling pathway; plus strand). Cytogenetic location: 5q22.2.
Variant type: single nucleotide variant.
Coding change: c.1959-13G>C on transcript NM_000038.6 (MANE Select); 13 bases into the intron before coding-DNA position 1959, G replaced by C.
Molecular consequence: intron variant.
Genome position (GRCh38, 1-based): chr5:112,837,540, G>C. VCF-style: chr5-112837540-G-C. GRCh37 (hg19) VCF-style: chr5-112173237-G-C.
Other names: c.1710-13G>C (NM_001407455.1, NM_001407454.1, NM_001407456.1 and 1 more transcripts); c.1656-13G>C (NM_001407459.1, NM_001354903.2, NM_001407460.1 and 1 more transcripts); c.1938-13G>C (NM_001407451.1); c.1884-13G>C (NM_001354898.2); c.1581-13G>C (NM_001354904.2); c.1875-13G>C (NM_001354899.2); c.1572-13G>C (NM_001407467.1, NM_001407469.1); c.1782-13G>C (NM_001354901.2, NM_001407453.1); and 11 more.
Identifiers: ClinVar variation 3148410 (VCV003148410.1), dbSNP rs2149857368, ClinGen allele CA2825001364.
Genomic context (GRCh38, chr5:112,837,540, plus strand): 5'-TTCTATCCTTTTATTTGTTGTTACTGCATACACATTGTGACCTTAATTTTGTGATCTCTT[G>C]ATTTTATTTCAGGCAAATCCTAAGAGAGAACAACTGTCTACAAACTTTATTACAACACTT-3'

ClinVar aggregate classification (germline): Likely benign (1 of 4 stars; one submission).

Conditions:
Familial adenomatous polyposis 1 (FAP1). Also called: POLYPOSIS, ADENOMATOUS INTESTINAL; FAMILIAL ADENOMATOUS POLYPOSIS 1, ATTENUATED. Identifiers: MedGen C2713442, MONDO:0021056, OMIM 175100. Disease mechanism: loss of function.

Submission:

Myriad Genetics, Inc.
Classification: Likely benign for Familial adenomatous polyposis 1. Last evaluated: 2024-03-08. Review status: criteria provided, single submitter. Criteria: Myriad Autosomal Dominant, Autosomal Recessive and X-Linked Classification Criteria (2023). Collection method: clinical testing. Allele origin: unknown.
Comment: This variant is considered likely benign. This variant is intronic and is not expected to impact mRNA splicing.